The following is an entry in ClinVar:

ClinVar aggregate classification (germline): Uncertain significance (1 of 4 stars; one submission).

Conditions:
Cardiovascular phenotype. Identifiers: MedGen CN230736.

Submission:

Ambry Genetics
Classification: Uncertain significance for Cardiovascular phenotype. Last evaluated: 2022-08-20. Review status: criteria provided, single submitter. Criteria: Ambry Variant Classification Scheme 2023. Collection method: clinical testing. Allele origin: germline.
Comment: The p.P75T variant (also known as c.223C>A), located in coding exon 1 of the ZNF469 gene, results from a C to A substitution at nucleotide position 223. The proline at codon 75 is replaced by threonine, an amino acid with highly similar properties. This amino acid position is conserved. In addition, this alteration is predicted to be tolerated by in silico analysis. Since supporting evidence is limited at this time, the clinical significance of this alteration remains unclear.

NM_001367624.2(ZNF469):c.223C>A (p.Pro75Thr)

Gene: ZNF469 (zinc finger protein 469; plus strand). Cytogenetic location: 16q24.2.
Variant type: single nucleotide variant.
Coding change: c.223C>A on transcript NM_001367624.2 (MANE Select); coding-DNA position 223, C replaced by A.
Protein change: p.Pro75Thr; replaces proline 75 with threonine.
Molecular consequence: missense variant.
Genome position (GRCh38, 1-based): chr16:88,427,693, C>A. VCF-style: chr16-88427693-C-A. GRCh37 (hg19) VCF-style: chr16-88494101-C-A.
Other names: NM_001127464.1:c.223C>A; short protein forms P75T.
Identifiers: ClinVar variation 1788241 (VCV001788241.2), dbSNP rs1350300664, ClinGen allele CA397058727.